The following is an entry in ClinVar:

NM_002474.3(MYH11):c.793C>A (p.Leu265Met)

Gene: MYH11 (myosin heavy chain 11; minus strand). Cytogenetic location: 16p13.11.
Variant type: single nucleotide variant.
Coding change: c.793C>A on transcript NM_002474.3 (MANE Select); coding-DNA position 793, C replaced by A.
Protein change: p.Leu265Met; replaces leucine 265 with methionine.
Molecular consequence: missense variant.
Genome position (GRCh38, 1-based): chr16:15,776,174, G>T on the plus strand (C>A on the coding strand, the complement: MYH11 is on the minus strand). VCF-style: chr16-15776174-G-T. GRCh37 (hg19) VCF-style: chr16-15870031-G-T.
Other names: c.814C>A, p.Leu272Met (NM_001040113.2, NM_001040114.2); c.793C>A, p.Leu265Met (NM_022844.3); short protein forms L265M, L272M.
Identifiers: ClinVar variation 3387256 (VCV003387256.1).

ClinVar aggregate classification (germline): Uncertain significance (1 of 4 stars; one submission).

Conditions:
Familial thoracic aortic aneurysm and aortic dissection (TAAD). Also called: Thoracic aortic aneurysms and dissections. Identifiers: Orphanet 91387, MedGen C4707243, MONDO:0019625.

Submission:

All of Us Research Program, National Institutes of Health
Classification: Uncertain significance for Familial thoracic aortic aneurysm and aortic dissection. Last evaluated: 2024-03-24. Review status: criteria provided, single submitter. Criteria: ACMG Guidelines, 2015. Collection method: clinical testing. Allele origin: germline. Inheritance: Autosomal dominant inheritance. Observed: 1 variant allele, 1 heterozygote.
Comment: This missense variant replaces leucine with methionine at codon 272 of the MYH11 protein. Computational prediction is inconclusive regarding the impact of this variant on protein structure and function (internally defined REVEL score threshold 0.5 < inconclusive < 0.7, PMID: 27666373). To our knowledge, functional studies have not been reported for this variant. This variant has not been reported in individuals affected with MYH11-related disorders in the literature. This variant has not been identified in the general population by the Genome Aggregation Database (gnomAD). The available evidence is insufficient to determine the role of this variant in disease conclusively. Therefore, this variant is classified as a Variant of Uncertain Significance.

This study involves interpretation of variants in research participants for the purpose of population health screening. Participant phenotype was not available at the time of variant classification. Additional details can be found in publication PMID: 35346344, PMCID: PMC8962531